The following is an entry in ClinVar:

ClinVar aggregate classification (germline): Likely benign (1 of 4 stars; one submission).

Conditions:
Succinate-semialdehyde dehydrogenase deficiency (SSADHD). Also called: Succinic Semialdehyde Dehydrogenase Deficiency; 4-HYDROXYBUTYRIC ACIDURIA; GABA METABOLIC DEFECT; SSADH DEFICIENCY. Identifiers: Orphanet 22, MedGen C0268631, MONDO:0010083, OMIM 271980.

Allele frequency attached by ClinVar (database versions not stated): gnomAD 0.00014 and 0.00082; TOPMed 0.00024; 1000 Genomes Project 0.00220; 1000 Genomes Project 30x 0.00312.

Submission:

Illumina Laboratory Services, Illumina
Classification: Likely benign for Succinate-semialdehyde dehydrogenase deficiency. Last evaluated: 2018-01-13. Review status: criteria provided, single submitter. Criteria: ICSL Variant Classification Criteria 13 December 2019. Collection method: clinical testing. Allele origin: germline.
Comment: This variant was observed in the ICSL laboratory as part of a predisposition screen in an ostensibly healthy population. It had not been previously curated by ICSL or reported in the Human Gene Mutation Database (HGMD: prior to June 1st, 2018), and was therefore a candidate for classification through an automated scoring system. Utilizing variant allele frequency, disease prevalence and penetrance estimates, and inheritance mode, an automated score was calculated to assess if this variant is too frequent to cause the disease. Based on the score and internal cut-off values, a variant classified as likely benign is not then subjected to further curation. The score for this variant resulted in a classification of likely benign for this disease.

NM_001080.3(ALDH5A1):c.*1515C>T

Gene: ALDH5A1 (aldehyde dehydrogenase 5 family member A1; plus strand). Cytogenetic location: 6p22.3.
Variant type: single nucleotide variant.
Coding change: c.*1515C>T on transcript NM_001080.3 (MANE Select); 1515 bases downstream of the stop codon, C replaced by T.
Molecular consequence: 3 prime UTR variant.
Genome position (GRCh38, 1-based): chr6:24,535,227, C>T. VCF-style: chr6-24535227-C-T. GRCh37 (hg19) VCF-style: chr6-24535455-C-T.
Other names: c.*1515C>T (NM_001368954.1, NM_170740.1).
Identifiers: ClinVar variation 356172 (VCV000356172.5), dbSNP rs368136060, ClinGen allele CA10621826.
Genomic context (GRCh38, chr6:24,535,227, plus strand): 5'-TGAATGAAAGTAGTGCTGGATGCAATTACTCCTGAACCCCACCTAGGATTTAACATCCCT[C>T]ATTGAGCCACTGGGAAGCTATGGTTGAGTAACTAAAGGTCTGGCAAGACCCTGGGCACAC-3'